The following is an entry in ClinVar:

NM_000235.4(LIPA):c.660A>G (p.Pro220=)

Gene: LIPA (lipase A, lysosomal acid type; minus strand). Cytogenetic location: 10q23.31.
Variant type: single nucleotide variant.
Coding change: c.660A>G on transcript NM_000235.4 (MANE Select); coding-DNA position 660, A replaced by G.
Protein change: p.Pro220=; no amino-acid change (proline 220 retained).
Molecular consequence: synonymous variant.
Genome position (GRCh38, 1-based): chr10:89,225,107, T>C on the plus strand (A>G on the coding strand, the complement: LIPA is on the minus strand). VCF-style: chr10-89225107-T-C. GRCh37 (hg19) VCF-style: chr10-90984864-T-C.
Other names: c.660A>G, p.Pro220= (NM_001127605.3); c.312A>G, p.Pro104= (NM_001288979.2).
Identifiers: ClinVar variation 1137194 (VCV001137194.10), dbSNP rs2133429315, ClinGen allele CA470737877.

ClinVar aggregate classification (germline): Likely benign. Review status: criteria provided, multiple submitters, no conflicts (2 of 4 stars). 2 submissions from 2 submitters: Likely benign (2). Last evaluated 2026-09-01.

Conditions:
Wolman disease (WOLD). Also called: Wolman disease, CESD; Infantile-Onset LAL-D (Wolman Disease); LYSOSOMAL ACID LIPASE DEFICIENCY, ACUTE INFANTILE; LYSOSOMAL ACID LIPASE DEFICIENCY, COMPLETE; LIPA DEFICIENCY, COMPLETE; LAL DEFICIENCY, COMPLETE. Identifiers: Orphanet 75233, MedGen C0043208, MONDO:0019148, OMIM 620151.

Submissions (2):

CeGaT Center for Human Genetics Tuebingen
Classification: Likely benign. Last evaluated: 2026-09-01. Review status: criteria provided, single submitter. Criteria: CeGaT Center For Human Genetics Tuebingen Variant Classification Criteria Version 2. Collection method: clinical testing. Allele origin: germline. Affected: yes. Observed: 1 variant allele.
Comment: LIPA: PM2:Supporting, BP4, BP7

Labcorp Genetics (formerly Invitae), Labcorp
Classification: Likely benign for Wolman disease. Last evaluated: 2020-02-27. Review status: criteria provided, single submitter. Criteria: Invitae Variant Classification Sherloc (09022015). Collection method: clinical testing. Allele origin: germline.